The following is an entry in ClinVar:

NM_000171.4(GLRA1):c.1115C>A (p.Ala372Asp)

Gene: GLRA1 (glycine receptor alpha 1; minus strand). Cytogenetic location: 5q33.1.
Variant type: single nucleotide variant.
Coding change: c.1115C>A on transcript NM_000171.4 (MANE Select); coding-DNA position 1115, C replaced by A.
Protein change: p.Ala372Asp; replaces alanine 372 with aspartic acid.
Molecular consequence: missense variant.
Genome position (GRCh38, 1-based): chr5:151,822,908, G>T on the plus strand (C>A on the coding strand, the complement: GLRA1 is on the minus strand). VCF-style: chr5-151822908-G-T. GRCh37 (hg19) VCF-style: chr5-151202469-G-T.
Other names: c.1139C>A, p.Ala380Asp (NM_001146040.2); c.866C>A, p.Ala289Asp (NM_001292000.2); short protein forms A289D, A372D, A380D.
Identifiers: ClinVar variation 3635559 (VCV003635559.2).

ClinVar aggregate classification (germline): Uncertain significance (1 of 4 stars; one submission).

Conditions:
Hereditary hyperekplexia. Identifiers: Orphanet 3197, MedGen C4084968, MONDO:0021022.

Submission:

Labcorp Genetics (formerly Invitae), Labcorp
Classification: Uncertain significance for Hereditary hyperekplexia. Last evaluated: 2024-08-19. Review status: criteria provided, single submitter. Criteria: Invitae Variant Classification Sherloc (09022015). Collection method: clinical testing. Allele origin: germline.
Comment: This sequence change replaces alanine, which is neutral and non-polar, with aspartic acid, which is acidic and polar, at codon 372 of the GLRA1 protein (p.Ala372Asp). This variant is not present in population databases (gnomAD no frequency). This variant has not been reported in the literature in individuals affected with GLRA1-related conditions. Invitae Evidence Modeling of protein sequence and biophysical properties (such as structural, functional, and spatial information, amino acid conservation, physicochemical variation, residue mobility, and thermodynamic stability) indicates that this missense variant is not expected to disrupt GLRA1 protein function with a negative predictive value of 95%. In summary, the available evidence is currently insufficient to determine the role of this variant in disease. Therefore, it has been classified as a Variant of Uncertain Significance.